The following is an entry in ClinVar:

NM_015634.4(KIFBP):c.47C>T (p.Ala16Val)

Genes: KIFBP (kinesin family binding protein; plus strand), LOC130003959 (ATAC-STARR-seq lymphoblastoid active region 3474; plus strand). Cytogenetic location: 10q22.1.
Variant type: single nucleotide variant.
Coding change: c.47C>T on transcript NM_015634.4 (MANE Select); coding-DNA position 47, C replaced by T.
Protein change: p.Ala16Val; replaces alanine 16 with valine.
Molecular consequence: missense variant.
Genome position (GRCh38, 1-based): chr10:68,988,879, C>T. VCF-style: chr10-68988879-C-T. GRCh37 (hg19) VCF-style: chr10-70748635-C-T.
Other names: short protein forms A16V.
Identifiers: ClinVar variation 1334756 (VCV001334756.4), dbSNP rs1481458834, ClinGen allele CA376898396.

ClinVar aggregate classification (germline): Uncertain significance (1 of 4 stars; one submission).

Allele frequency attached by ClinVar (database versions not stated): TOPMed 0.00002.

Submission:

Greenwood Genetic Center Diagnostic Laboratories, Greenwood Genetic Center
Classification: Uncertain significance. Last evaluated: 2021-05-14. Review status: criteria provided, single submitter. Criteria: ACMG Guidelines, 2015. Collection method: clinical testing. Allele origin: germline. Affected: yes.
Comment: PM2